The following is an entry in ClinVar:

NM_001282225.2(ADA2):c.753G>A (p.Pro251=)

Gene: ADA2 (adenosine deaminase 2; minus strand). Cytogenetic location: 22q11.1.
Variant type: single nucleotide variant.
Coding change: c.753G>A on transcript NM_001282225.2 (MANE Select); coding-DNA position 753, G replaced by A.
Protein change: p.Pro251=; no amino-acid change (proline 251 retained).
Molecular consequence: synonymous variant.
Genome position (GRCh38, 1-based): chr22:17,203,563, C>T on the plus strand (G>A on the coding strand, the complement: ADA2 is on the minus strand). VCF-style: chr22-17203563-C-T. GRCh37 (hg19) VCF-style: chr22-17684453-C-T.
Other names: c.753G>A, p.Pro251= (NM_001282226.2); c.627G>A, p.Pro209= (NM_001282227.2, NM_001282228.2); c.393G>A, p.Pro131= (NM_001282229.2); c.753G>A (NM_001282225.1).
Identifiers: ClinVar variation 1392821 (VCV001392821.9), dbSNP rs369924229, ClinGen allele CA10088143.
Genomic context (GRCh38, chr22:17,203,563, plus strand): 5'-AGATCTGAGTCAGGCCAGAGCAAAGGAGGTGGGAGGAACAGAGAGGAGAGCTGGGCTCAC[C>T]GGCAGCAGCCTGGCTCTGATCTCCATGTAGAGCACGTTGTCCTCGTAGAACTCCTGCATG-3'
Protein context (NP_001269154.1, residues 241-261): LYMEIRARLL[Pro251=]VYELSGEHHD

ClinVar aggregate classification (germline): Conflicting classifications of pathogenicity. Review status: criteria provided, conflicting classifications (1 of 4 stars). 4 submissions from 4 submitters: Pathogenic (1); Likely pathogenic (2); Uncertain significance (1). Last evaluated 2025-09-05.

Conditions:
Deficiency of adenosine deaminase 2. Also called: VASCULITIS, AUTOINFLAMMATION, IMMUNODEFICIENCY, AND HEMATOLOGIC DEFECTS SYNDROME; Polyarteritis nodosa, childhoood-onset; Adenosine Deaminase 2 Deficiency. Identifiers: Orphanet 404553, MedGen C3887654, MONDO:0014306, OMIM 615688, MONDO:0100317.
Sneddon syndrome (SNDNS). Also called: Idiopathic livedo reticularis with systemic involvement; LIVEDO RETICULARIS AND CEREBROVASCULAR ACCIDENTS. Identifiers: Orphanet 820, MedGen C0282492, MONDO:0008436, OMIM 182410.

Allele frequency attached by ClinVar (database versions not stated): ExAC 0.00002; gnomAD 0.00007 and 0.00009; ESP Exome Variant Server 0.00008; TOPMed 0.00012.
gnomAD v4.1: 33 of 1,610,930 alleles (0.002%); highest among the groups gnomAD compares: African/African-American, 0.017%; no homozygotes.

Submissions (4):

Labcorp Genetics (formerly Invitae), Labcorp
Classification: Pathogenic for Deficiency of adenosine deaminase 2. Last evaluated: 2025-09-05. Review status: criteria provided, single submitter. Criteria: Invitae Variant Classification Sherloc (09022015). Collection method: clinical testing. Allele origin: germline.
Comment: This sequence change affects codon 251 of the ADA2 mRNA. It is a 'silent' change, meaning that it does not change the encoded amino acid sequence of the ADA2 protein. RNA analysis indicates that this variant induces altered splicing and may result in an absent or altered protein product. This variant is present in population databases (rs369924229, gnomAD 0.01%). This variant has been observed in individual(s) with DADA2 and/or deficiency of adenosine deaminase 2 (PMID: 29681619, 33529688). In at least one individual the data is consistent with being in trans (on the opposite chromosome) from a pathogenic variant. ClinVar contains an entry for this variant (Variation ID: 1392821). Variants that disrupt the consensus splice site are a relatively common cause of aberrant splicing (PMID: 17576681, 9536098). Studies have shown that this variant results in skipping of exon 4, and produces a non-functional protein and/or introduces a premature termination codon (PMID: 33529688). For these reasons, this variant has been classified as Pathogenic.

GeneDx
Classification: Likely pathogenic. Last evaluated: 2024-07-05. Review status: criteria provided, single submitter. Criteria: GeneDx Variant Classification Process June 2021. Collection method: clinical testing. Allele origin: germline. Affected: yes.
Comment: RNA studies demonstrate a damaging effect with this variant demonstrated to result in an aberrant transcript predicted to lead to a premature stop codon and nonsense mediated decay (PMID: 33529688); This variant is associated with the following publications: (PMID: 31945408, 33529688, 29681619, 35699195, 37476427, Hanitsch2023[abstract])

Fulgent Genetics
Classification: Likely pathogenic for Sneddon syndrome; Deficiency of adenosine deaminase 2. Last evaluated: 2024-04-23. Review status: criteria provided, single submitter. Criteria: ACMG Guidelines, 2015. Collection method: clinical testing. Allele origin: germline.

Blueprint Genetics
Classification: Uncertain significance. Last evaluated: 2022-10-27. Review status: criteria provided, single submitter. Criteria: ACMG Guidelines, 2015. Collection method: clinical testing. Allele origin: germline.

Literature cited by the submitters: PubMed 29681619 (cited by Labcorp Genetics (formerly Invitae), Labcorp); PubMed 33529688 (cited by Labcorp Genetics (formerly Invitae), Labcorp); PubMed 17576681 (cited by Labcorp Genetics (formerly Invitae), Labcorp); PubMed 9536098 (cited by Labcorp Genetics (formerly Invitae), Labcorp).